The following is an entry in ClinVar:

NM_004722.4(AP4M1):c.1354C>T (p.Arg452Trp)

Gene: AP4M1 (adaptor related protein complex 4 subunit mu 1; plus strand). Cytogenetic location: 7q22.1.
Variant type: single nucleotide variant.
Coding change: c.1354C>T on transcript NM_004722.4 (MANE Select); coding-DNA position 1354, C replaced by T.
Protein change: p.Arg452Trp; replaces arginine 452 with tryptophan.
Molecular consequence: missense variant.
Genome position (GRCh38, 1-based): chr7:100,106,874, C>T. VCF-style: chr7-100106874-C-T. GRCh37 (hg19) VCF-style: chr7-99704497-C-T.
Other names: c.1354C>T (NM_004722.3); c.1375C>T, p.Arg459Trp (NM_001363671.2); short protein forms R452W, R459W.
Identifiers: ClinVar variation 2413678 (VCV002413678.5), dbSNP rs777413003, ClinGen allele CA4375077.

ClinVar aggregate classification (germline): Uncertain significance. Review status: criteria provided, multiple submitters, no conflicts (2 of 4 stars). 3 submissions from 3 submitters: Uncertain significance (3). Last evaluated 2025-03-28.

Conditions:
Inborn genetic diseases. Identifiers: MedGen C0950123, MeSH D030342.
Hereditary spastic paraplegia 50 (SPG50). Also called: Spastic paraplegia 50, autosomal recessive. Identifiers: Orphanet 280763, MedGen C2752008, MONDO:0013048, OMIM 612936.

Allele frequency attached by ClinVar (database versions not stated): gnomAD 0.00002; TOPMed 0.00006; gnomAD exomes 0.00008; ExAC 0.00009.

Submissions (3):

Ambry Genetics
Classification: Uncertain significance for Inborn genetic diseases. Last evaluated: 2025-03-28. Review status: criteria provided, single submitter. Criteria: Ambry Variant Classification Scheme 2023. Collection method: clinical testing. Allele origin: germline.

Blueprint Genetics
Classification: Uncertain significance. Last evaluated: 2024-05-07. Review status: criteria provided, single submitter. Criteria: ACMG Guidelines, 2015. Collection method: clinical testing. Allele origin: germline.

Labcorp Genetics (formerly Invitae), Labcorp
Classification: Uncertain significance for Hereditary spastic paraplegia 50. Last evaluated: 2022-06-24. Review status: criteria provided, single submitter. Criteria: Invitae Variant Classification Sherloc (09022015). Collection method: clinical testing. Allele origin: germline.
Comment: This sequence change replaces arginine, which is basic and polar, with tryptophan, which is neutral and slightly polar, at codon 452 of the AP4M1 protein (p.Arg452Trp). This variant is present in population databases (rs777413003, gnomAD 0.03%). This variant has not been reported in the literature in individuals affected with AP4M1-related conditions. Algorithms developed to predict the effect of missense changes on protein structure and function are either unavailable or do not agree on the potential impact of this missense change (SIFT: "Deleterious"; PolyPhen-2: "Probably Damaging"; Align-GVGD: "Class C0"). In summary, the available evidence is currently insufficient to determine the role of this variant in disease. Therefore, it has been classified as a Variant of Uncertain Significance.